The following is an entry in ClinVar:

ClinVar aggregate classification (germline): Uncertain significance. Review status: criteria provided, multiple submitters, no conflicts (2 of 4 stars). 2 submissions from 2 submitters: Uncertain significance (2). Last evaluated 2022-09-23.

Conditions:
Joubert syndrome. Also called: CEREBELLOPARENCHYMAL DISORDER IV; JOUBERT-BOLTSHAUSER SYNDROME; Familial aplasia of the vermis. Identifiers: Orphanet 475, MedGen C5979921, MONDO:0018772.
Meckel-Gruber syndrome. Also called: DYSENCEPHALIA SPLANCHNOCYSTICA; GRUBER SYNDROME; Dysencephalia splachnocystica. Identifiers: Orphanet 564, MedGen C0265215, MONDO:0018921.

gnomAD v4.1: 1 of 1,614,042 alleles (0.000062%); highest among the groups gnomAD compares: Non-Finnish European, 0.000085%; no homozygotes.

Submissions (2):

Labcorp Genetics (formerly Invitae), Labcorp
Classification: Uncertain significance for Joubert syndrome; Meckel-Gruber syndrome. Last evaluated: 2022-09-23. Review status: criteria provided, single submitter. Criteria: Invitae Variant Classification Sherloc (09022015). Collection method: clinical testing. Allele origin: germline.
Comment: This sequence change replaces tyrosine, which is neutral and polar, with phenylalanine, which is neutral and non-polar, at codon 551 of the RPGRIP1L protein (p.Tyr551Phe). This variant is not present in population databases (gnomAD no frequency). This variant has not been reported in the literature in individuals affected with RPGRIP1L-related conditions. ClinVar contains an entry for this variant (Variation ID: 1307239). Algorithms developed to predict the effect of missense changes on protein structure and function (SIFT, PolyPhen-2, Align-GVGD) all suggest that this variant is likely to be tolerated. Algorithms developed to predict the effect of sequence changes on RNA splicing suggest that this variant may disrupt the consensus splice site. In summary, the available evidence is currently insufficient to determine the role of this variant in disease. Therefore, it has been classified as a Variant of Uncertain Significance.

GeneDx
Classification: Uncertain significance. Last evaluated: 2019-07-25. Review status: criteria provided, single submitter. Criteria: GeneDx Variant Classification Process June 2021. Collection method: clinical testing. Allele origin: germline. Affected: yes.
Comment: Not observed in large population cohorts (Lek et al., 2016); In silico analysis, which includes protein predictors and evolutionary conservation, supports that this variant does not alter protein structure/function; Has not been previously published as pathogenic or benign to our knowledge

NM_015272.5(RPGRIP1L):c.1652A>T (p.Tyr551Phe)

Gene: RPGRIP1L (RPGRIP1 like; minus strand). Cytogenetic location: 16q12.2.
Variant type: single nucleotide variant.
Coding change: c.1652A>T on transcript NM_015272.5 (MANE Select); coding-DNA position 1652, A replaced by T.
Protein change: p.Tyr551Phe; replaces tyrosine 551 with phenylalanine.
Molecular consequence: missense variant.
Genome position (GRCh38, 1-based): chr16:53,656,519, T>A on the plus strand (A>T on the coding strand, the complement: RPGRIP1L is on the minus strand). VCF-style: chr16-53656519-T-A. GRCh37 (hg19) VCF-style: chr16-53690431-T-A.
Other names: c.1652A>T, p.Tyr551Phe (NM_001127897.4, NM_001308334.3, NM_001330538.2); short protein forms Y551F.
Identifiers: ClinVar variation 1307239 (VCV001307239.4), dbSNP rs1307023675, ClinGen allele CA395918163.
Genomic context (GRCh38, chr16:53,656,519, plus strand): 5'-GTATATGTTGTACCTTCTAGTTTATGGATACGTGCAGCCCTGATATCAAGAAGATGAACA[T>A]ACTGTTCCACTTTGAGTTCATAATCTTGCTGCAAATTTTCCATCTTACGGGTCACTGCCT-3'
Protein context (NP_056087.2, residues 541-561): QQDYELKVEQ[Tyr551Phe]VHLLDIRAAR